The following is an entry in ClinVar:

NM_001044385.3(TMEM237):c.292A>G (p.Thr98Ala)

Gene: TMEM237 (transmembrane protein 237; minus strand). Cytogenetic location: 2q33.1.
Variant type: single nucleotide variant.
Coding change: c.292A>G on transcript NM_001044385.3 (MANE Select); coding-DNA position 292, A replaced by G.
Protein change: p.Thr98Ala; replaces threonine 98 with alanine.
Molecular consequence: missense variant.
Genome position (GRCh38, 1-based): chr2:201,633,414, T>C on the plus strand (A>G on the coding strand, the complement: TMEM237 is on the minus strand). VCF-style: chr2-201633414-T-C. GRCh37 (hg19) VCF-style: chr2-202498137-T-C.
Other names: c.268A>G, p.Thr90Ala (NM_152388.4); short protein forms T90A, T98A.
Identifiers: ClinVar variation 2139921 (VCV002139921.3), dbSNP rs750961270, ClinGen allele CA2056522.

ClinVar aggregate classification (germline): Uncertain significance (1 of 4 stars; one submission).

Conditions:
Joubert syndrome 14 (JBTS14). Identifiers: MedGen C3280766, MONDO:0013745, OMIM 614424.

Allele frequency attached by ClinVar (database versions not stated): gnomAD exomes below 0.00001; ExAC 0.00003.
gnomAD v4.1: 2 of 1,557,950 alleles (0.00013%); highest among the groups gnomAD compares: Non-Finnish European, 0.00017%; no homozygotes.

Submission:

Labcorp Genetics (formerly Invitae), Labcorp
Classification: Uncertain significance for Joubert syndrome 14. Last evaluated: 2022-03-11. Review status: criteria provided, single submitter. Criteria: Invitae Variant Classification Sherloc (09022015). Collection method: clinical testing. Allele origin: germline.
Comment: This sequence change replaces threonine, which is neutral and polar, with alanine, which is neutral and non-polar, at codon 98 of the TMEM237 protein (p.Thr98Ala). The frequency data for this variant in the population databases is considered unreliable, as metrics indicate poor data quality at this position in the gnomAD database. This variant has not been reported in the literature in individuals affected with TMEM237-related conditions. Algorithms developed to predict the effect of missense changes on protein structure and function output the following: SIFT: "Deleterious"; PolyPhen-2: "Benign"; Align-GVGD: "Class C0". The alanine amino acid residue is found in multiple mammalian species, which suggests that this missense change does not adversely affect protein function. In summary, the available evidence is currently insufficient to determine the role of this variant in disease. Therefore, it has been classified as a Variant of Uncertain Significance.